The following is an entry in ClinVar:

ClinVar aggregate classification (germline): Uncertain significance (1 of 4 stars; one submission).

Conditions:
Charcot-Marie-Tooth disease axonal type 2Z. Also called: CHARCOT-MARIE-TOOTH DISEASE, AXONAL, AUTOSOMAL DOMINANT, TYPE 2Z; CHARCOT-MARIE-TOOTH NEUROPATHY, TYPE 2Z. Identifiers: Orphanet 466768, MedGen C5569025, MONDO:0014736, OMIM 616688.

Allele frequency attached by ClinVar (database versions not stated): gnomAD exomes below 0.00001; ExAC 0.00001.
gnomAD v4.1: 3 of 1,614,128 alleles (0.00019%); highest among the groups gnomAD compares: Non-Finnish European, 0.00025%; no homozygotes.

Submission:

Labcorp Genetics (formerly Invitae), Labcorp
Classification: Uncertain significance for Charcot-Marie-Tooth disease axonal type 2Z. Last evaluated: 2024-02-23. Review status: criteria provided, single submitter. Criteria: Invitae Variant Classification Sherloc (09022015). Collection method: clinical testing. Allele origin: germline.
Comment: This sequence change replaces proline, which is neutral and non-polar, with leucine, which is neutral and non-polar, at codon 670 of the MORC2 protein (p.Pro670Leu). This variant is present in population databases (rs747230744, gnomAD 0.002%). This variant has not been reported in the literature in individuals affected with MORC2-related conditions. ClinVar contains an entry for this variant (Variation ID: 847818). Algorithms developed to predict the effect of missense changes on protein structure and function output the following: SIFT: "Not Available"; PolyPhen-2: "Benign"; Align-GVGD: "Not Available". The leucine amino acid residue is found in multiple mammalian species, which suggests that this missense change does not adversely affect protein function. In summary, the available evidence is currently insufficient to determine the role of this variant in disease. Therefore, it has been classified as a Variant of Uncertain Significance.

NM_001303256.3(MORC2):c.2009C>T (p.Pro670Leu)

Gene: MORC2 (MORC family CW-type zinc finger 2; minus strand). Cytogenetic location: 22q12.2.
Variant type: single nucleotide variant.
Coding change: c.2009C>T on transcript NM_001303256.3 (MANE Select); coding-DNA position 2009, C replaced by T.
Protein change: p.Pro670Leu; replaces proline 670 with leucine.
Molecular consequence: missense variant.
Genome position (GRCh38, 1-based): chr22:30,934,965, G>A on the plus strand (C>T on the coding strand, the complement: MORC2 is on the minus strand). VCF-style: chr22-30934965-G-A. GRCh37 (hg19) VCF-style: chr22-31330952-G-A.
Other names: c.2009C>T, p.Pro670Leu (NM_001303257.2); c.1823C>T, p.Pro608Leu (NM_014941.3); short protein forms P608L, P670L.
Identifiers: ClinVar variation 847818 (VCV000847818.8), dbSNP rs747230744, ClinGen allele CA10186789.